The following is an entry in ClinVar:

ClinVar aggregate classification (germline): Uncertain significance (1 of 4 stars; one submission).

Conditions:
Torsion dystonia 6 (DYT6). Also called: DYT-THAP1. Identifiers: Orphanet 98806, MedGen C1414216, MONDO:0011264, OMIM 602629.

Submission:

Clinical Genomics Laboratory, Washington University in St. Louis
Classification: Uncertain significance for Torsion dystonia 6. Last evaluated: 2025-11-07. Review status: criteria provided, single submitter. Criteria: ACMG Guidelines, 2015. Collection method: clinical testing. Allele origin: germline.
Comment: The THAP1 c.232C>T (p.Pro78Ser) variant, to our knowledge, has not been reported in the medical literature. This variant is absent from the general population (gnomAD v.2.1.1), indicating it is not a common variant. Computational predictors indicate that the variant is damaging, evidence that correlates with impact to THAP1 function. Due to limited information, and based on ACMG/AMP guidelines for variant interpretation (Richards S et al., PMID: 25741868), the clinical significance of this variant is uncertain at this time.

NM_018105.3(THAP1):c.232C>T (p.Pro78Ser)

Gene: THAP1 (THAP domain containing 1; minus strand). Cytogenetic location: 8p11.21.
Variant type: single nucleotide variant.
Coding change: c.232C>T on transcript NM_018105.3 (MANE Select); coding-DNA position 232, C replaced by T.
Protein change: p.Pro78Ser; replaces proline 78 with serine.
Molecular consequence: missense variant. On other transcripts: intron variant (1).
Genome position (GRCh38, 1-based): chr8:42,839,221, G>A on the plus strand (C>T on the coding strand, the complement: THAP1 is on the minus strand). VCF-style: chr8-42839221-G-A. GRCh37 (hg19) VCF-style: chr8-42694364-G-A.
Other names: c.72-885C>T (NM_199003.2); short protein forms P78S.
Identifiers: ClinVar variation 4879260 (VCV004879260.1).